The following is an entry in ClinVar:

ClinVar aggregate classification (germline): Uncertain significance. Review status: criteria provided, multiple submitters, no conflicts (2 of 4 stars). 2 submissions from 2 submitters: Uncertain significance (2). Last evaluated 2025-03-27.

Allele frequency attached by ClinVar (database versions not stated): gnomAD 0.00001; gnomAD exomes 0.00001; TOPMed 0.00001.
gnomAD v4.1: 7 of 1,551,618 alleles (0.00045%); highest among the groups gnomAD compares: Admixed American, 0.0078%; no homozygotes.

Submissions (2):

Ambry Genetics
Classification: Uncertain significance. Last evaluated: 2025-03-27. Review status: criteria provided, single submitter. Criteria: Ambry Variant Classification Scheme 2023. Collection method: clinical testing. Allele origin: germline.

Labcorp Genetics (formerly Invitae), Labcorp
Classification: Uncertain significance. Last evaluated: 2024-10-22. Review status: criteria provided, single submitter. Criteria: Invitae Variant Classification Sherloc (09022015). Collection method: clinical testing. Allele origin: germline.
Comment: This sequence change replaces glutamic acid, which is acidic and polar, with aspartic acid, which is acidic and polar, at codon 111 of the KPNA7 protein (p.Glu111Asp). This variant is present in population databases (no rsID available, gnomAD 0.004%). This variant has not been reported in the literature in individuals affected with KPNA7-related conditions. ClinVar contains an entry for this variant (Variation ID: 1004722). Invitae Evidence Modeling of protein sequence and biophysical properties (such as structural, functional, and spatial information, amino acid conservation, physicochemical variation, residue mobility, and thermodynamic stability) indicates that this missense variant is not expected to disrupt KPNA7 protein function with a negative predictive value of 80%. In summary, the available evidence is currently insufficient to determine the role of this variant in disease. Therefore, it has been classified as a Variant of Uncertain Significance.

NM_001145715.3(KPNA7):c.333A>C (p.Glu111Asp)

Gene: KPNA7 (karyopherin subunit alpha 7; minus strand). Cytogenetic location: 7q22.1.
Variant type: single nucleotide variant.
Coding change: c.333A>C on transcript NM_001145715.3 (MANE Select); coding-DNA position 333, A replaced by C.
Protein change: p.Glu111Asp; replaces glutamic acid 111 with aspartic acid.
Molecular consequence: missense variant.
Genome position (GRCh38, 1-based): chr7:99,195,290, T>G on the plus strand (A>C on the coding strand, the complement: KPNA7 is on the minus strand). VCF-style: chr7-99195290-T-G. GRCh37 (hg19) VCF-style: chr7-98792913-T-G.
Other names: c.333A>C (NM_001145715.1); short protein forms E111D.
Identifiers: ClinVar variation 1004722 (VCV001004722.7), dbSNP rs1015968203, ClinGen allele CA163746636.